The following is an entry in ClinVar:

ClinVar aggregate classification (germline): Uncertain significance (1 of 4 stars; one submission).

Conditions:
Charcot-Marie-Tooth disease type 4. Also called: Charcot-Marie-Tooth, Type 4; Charcot-Marie-Tooth disease, type IV. Identifiers: Orphanet 64749, MedGen C4082197, MONDO:0018995.

Allele frequency attached by ClinVar (database versions not stated): gnomAD exomes below 0.00001; TOPMed below 0.00001; gnomAD 0.00001.
gnomAD v4.1: 4 of 1,613,780 alleles (0.00025%); highest among the groups gnomAD compares: Non-Finnish European, 0.00034%; no homozygotes.

Submission:

Labcorp Genetics (formerly Invitae), Labcorp
Classification: Uncertain significance for Charcot-Marie-Tooth disease type 4. Last evaluated: 2024-12-16. Review status: criteria provided, single submitter. Criteria: Invitae Variant Classification Sherloc (09022015). Collection method: clinical testing. Allele origin: germline.
Comment: This sequence change replaces glutamine, which is neutral and polar, with arginine, which is basic and polar, at codon 1029 of the SBF2 protein (p.Gln1029Arg). This variant is not present in population databases (gnomAD no frequency). This variant has not been reported in the literature in individuals affected with SBF2-related conditions. ClinVar contains an entry for this variant (Variation ID: 579126). Invitae Evidence Modeling of protein sequence and biophysical properties (such as structural, functional, and spatial information, amino acid conservation, physicochemical variation, residue mobility, and thermodynamic stability) indicates that this missense variant is not expected to disrupt SBF2 protein function with a negative predictive value of 80%. In summary, the available evidence is currently insufficient to determine the role of this variant in disease. Therefore, it has been classified as a Variant of Uncertain Significance.

NM_030962.4(SBF2):c.3086A>G (p.Gln1029Arg)

Genes: SBF2 (SET binding factor 2; minus strand), LOC101928008 (uncharacterized LOC101928008; plus strand). Cytogenetic location: 11p15.4.
Variant type: single nucleotide variant.
Coding change: c.3086A>G on transcript NM_030962.4 (MANE Select); coding-DNA position 3086, A replaced by G.
Protein change: p.Gln1029Arg; replaces glutamine 1029 with arginine.
Molecular consequence: missense variant.
Genome position (GRCh38, 1-based): chr11:9,845,589, T>C on the plus strand (A>G on the coding strand, the complement: SBF2 is on the minus strand). VCF-style: chr11-9845589-T-C. GRCh37 (hg19) VCF-style: chr11-9867136-T-C.
Other names: c.3086A>G, p.Gln1029Arg (NM_001386339.1); c.2957A>G, p.Gln986Arg (NM_001386342.1); short protein forms Q1029R, Q986R.
Identifiers: ClinVar variation 579126 (VCV000579126.9), dbSNP rs1297679145, ClinGen allele CA379632335.